The following is an entry in ClinVar:

ClinVar aggregate classification (germline): Likely benign. Review status: criteria provided, multiple submitters, no conflicts (2 of 4 stars). 3 submissions from 3 submitters: Likely benign (3). Last evaluated 2025-12-23.

Conditions:
POLG-related disorder. Also called: POLG-Related Spectrum Disorders; POLG-related condition; POLG-Related Disorders. Identifiers: MedGen C4763519.
Progressive sclerosing poliodystrophy (MTDPS4A). Also called: ALPERS PROGRESSIVE INFANTILE POLIODYSTROPHY; NEURONAL DEGENERATION OF CHILDHOOD WITH LIVER DISEASE, PROGRESSIVE; Alpers Syndrome; ALPERS DIFFUSE DEGENERATION OF CEREBRAL GRAY MATTER WITH HEPATIC CIRRHOSIS; Alpers-Huttenlocher Syndrome; Mitochondrial DNA Depletion Syndrome 4A. Identifiers: Orphanet 726, MedGen C0205710, MONDO:0008758, OMIM 203700.

Allele frequency attached by ClinVar (database versions not stated): gnomAD exomes 0.00001; ExAC 0.00002; gnomAD 0.00002; TOPMed 0.00002; ESP Exome Variant Server 0.00008.
gnomAD v4.1: 18 of 1,614,030 alleles (0.0011%); highest among the groups gnomAD compares: Non-Finnish European, 0.0015%; no homozygotes.

Submissions (3):

PreventionGenetics, part of Exact Sciences
Classification: Likely benign for POLG-related condition. Last evaluated: 2025-12-23. Review status: criteria provided, single submitter. Criteria: ACMG Guidelines, 2015. Collection method: clinical testing. Allele origin: germline.
Comment: This variant is classified as likely benign based on ACMG/AMP sequence variant interpretation guidelines (Richards et al. 2015 PMID: 25741868, with internal and published modifications).

Labcorp Genetics (formerly Invitae), Labcorp
Classification: Likely benign for Progressive sclerosing poliodystrophy. Last evaluated: 2025-06-02. Review status: criteria provided, single submitter. Criteria: Invitae Variant Classification Sherloc (09022015). Collection method: clinical testing. Allele origin: germline.

GeneDx
Classification: Likely benign. Last evaluated: 2016-06-07. Review status: criteria provided, single submitter. Criteria: GeneDx Variant Classification (06012015). Collection method: clinical testing. Allele origin: germline. Affected: yes.
Comment: This variant is considered likely benign or benign based on one or more of the following criteria: it is a conservative change, it occurs at a poorly conserved position in the protein, it is predicted to be benign by multiple in silico algorithms, and/or has population frequency not consistent with disease.

NM_002693.3(POLG):c.2613C>T (p.Gly871=)

Gene: POLG (DNA polymerase gamma, catalytic subunit; minus strand). Cytogenetic location: 15q26.1.
Variant type: single nucleotide variant.
Coding change: c.2613C>T on transcript NM_002693.3 (MANE Select); coding-DNA position 2613, C replaced by T.
Protein change: p.Gly871=; no amino-acid change (glycine 871 retained).
Molecular consequence: synonymous variant.
Genome position (GRCh38, 1-based): chr15:89,321,246, G>A on the plus strand (C>T on the coding strand, the complement: POLG is on the minus strand). VCF-style: chr15-89321246-G-A. GRCh37 (hg19) VCF-style: chr15-89864477-G-A.
Other names: c.2613C>T, p.Gly871= (NM_001126131.2).
Identifiers: ClinVar variation 386729 (VCV000386729.12), dbSNP rs372878701, ClinGen allele CA7724392.
Genomic context (GRCh38, chr15:89,321,246, plus strand): 5'-CACATCAGCACCCACAAGGGTGTAGCCAGGTGGGGCCTGCACCATGGCTTTCAACTCACT[G>A]CCTACTCGGTCAGGCTGTGGGAAGAGTGAGATACCCAAATGAGACTCTTCCTACCCCATT-3'
Protein context (NP_002684.1, residues 861-881): TASNARPDRV[Gly871=]SELKAMVQAP